The following is an entry in ClinVar:

NM_015667.2(SPATA31A7):c.960C>G (p.Leu320=)

Gene: SPATA31A7 (SPATA31 subfamily A member 7; plus strand). Cytogenetic location: 9q12.
Variant type: single nucleotide variant.
Coding change: c.960C>G on transcript NM_015667.2 (MANE Select); coding-DNA position 960, C replaced by G.
Protein change: p.Leu320=; no amino-acid change (leucine 320 retained).
Molecular consequence: synonymous variant.
Genome position (GRCh38, 1-based): chr9:61,193,046, C>G. VCF-style: chr9-61193046-C-G. GRCh37 (hg19) VCF-style: chr9-65506600-G-C.
Identifiers: ClinVar variation 2659225 (VCV002659225.24), dbSNP rs2489557560, ClinGen allele CA465497124.

ClinVar aggregate classification (germline): Likely benign (1 of 4 stars; one submission).

Submission:

CeGaT Center for Human Genetics Tuebingen
Classification: Likely benign. Last evaluated: 2022-10-01. Review status: criteria provided, single submitter. Criteria: CeGaT Center For Human Genetics Tuebingen Variant Classification Criteria Version 2. Collection method: clinical testing. Allele origin: germline. Affected: yes. Observed: 1 variant allele.
Comment: SPATA31A7: PM2:Supporting, BP4, BP7